The following is an entry in ClinVar:

ClinVar aggregate classification (germline): Pathogenic/Likely pathogenic. Review status: criteria provided, multiple submitters, no conflicts (2 of 4 stars). 2 submissions from 2 submitters: Pathogenic (1); Likely pathogenic (1). Last evaluated 2025-03-27.

Submissions (2):

GeneDx
Classification: Likely pathogenic. Last evaluated: 2025-03-27. Review status: criteria provided, single submitter. Criteria: GeneDx Variant Classification Process June 2021. Collection method: clinical testing. Allele origin: germline. Affected: yes.
Comment: Nonsense variant predicted to result in protein truncation or nonsense mediated decay in a gene for which loss of function is a known mechanism of disease; Not observed at significant frequency in large population cohorts (gnomAD); Has not been previously published as pathogenic or benign to our knowledge

Labcorp Genetics (formerly Invitae), Labcorp
Classification: Pathogenic. Last evaluated: 2023-07-25. Review status: criteria provided, single submitter. Criteria: Invitae Variant Classification Sherloc (09022015). Collection method: clinical testing. Allele origin: germline.
Comment: For these reasons, this variant has been classified as Pathogenic. This variant has not been reported in the literature in individuals affected with NAA15-related conditions. This variant is not present in population databases (gnomAD no frequency). This sequence change creates a premature translational stop signal (p.Glu241*) in the NAA15 gene. It is expected to result in an absent or disrupted protein product. Loss-of-function variants in NAA15 are known to be pathogenic (PMID: 28191889, 29656860).

Literature cited by the submitters: PubMed 28191889 (cited by Labcorp Genetics (formerly Invitae), Labcorp); PubMed 29656860 (cited by Labcorp Genetics (formerly Invitae), Labcorp).

NM_057175.5(NAA15):c.721G>T (p.Glu241Ter)

Gene: NAA15 (N-alpha-acetyltransferase 15, NatA auxiliary subunit; plus strand). Cytogenetic location: 4q31.1.
Variant type: single nucleotide variant.
Coding change: c.721G>T on transcript NM_057175.5 (MANE Select); coding-DNA position 721, G replaced by T.
Protein change: p.Glu241Ter; replaces glutamic acid 241 with a stop codon.
Molecular consequence: nonsense.
Genome position (GRCh38, 1-based): chr4:139,349,491, G>T. VCF-style: chr4-139349491-G-T. GRCh37 (hg19) VCF-style: chr4-140270645-G-T.
Other names: c.721G>T (NM_057175.3); c.721G>T, p.Glu241Ter (NM_001410842.1, NM_025085.2); short protein forms E241*.
Identifiers: ClinVar variation 2746266 (VCV002746266.4), dbSNP rs2530391608, ClinGen allele CA358260958.